The following is an entry in ClinVar:

ClinVar aggregate classification (germline): Likely benign. Review status: criteria provided, multiple submitters, no conflicts (2 of 4 stars). 2 submissions from 2 submitters: Likely benign (2). Last evaluated 2018-04-03.

Allele frequency attached by ClinVar (database versions not stated): 1000 Genomes Project 0.00026; 1000 Genomes Project 30x 0.00042; TOPMed 0.00079; gnomAD exomes 0.00083 and 0.00117; gnomAD 0.00089; ExAC 0.00096; ESP Exome Variant Server 0.00104.
gnomAD v4.1: 1,353 of 1,200,241 alleles (0.11%); highest among the groups gnomAD compares: Non-Finnish European, 0.15%; no homozygotes.

Submissions (2):

Labcorp Genetics (formerly Invitae), Labcorp
Classification: Likely benign. Last evaluated: 2018-04-03. Review status: criteria provided, single submitter. Criteria: Invitae Variant Classification Sherloc (09022015). Collection method: clinical testing. Allele origin: germline.

GeneDx
Classification: Likely benign. Last evaluated: 2015-03-15. Review status: criteria provided, single submitter. Criteria: GeneDx Variant Classification (06012015). Collection method: clinical testing. Allele origin: germline. Affected: yes.
Comment: This variant is considered likely benign or benign based on one or more of the following criteria: it is a conservative change, it occurs at a poorly conserved position in the protein, it is predicted to be benign by multiple in silico algorithms, and/or has population frequency not consistent with disease.

NM_001171876.2(MCF2):c.2008A>G (p.Asn670Asp)

Gene: MCF2 (MCF.2 cell line derived transforming sequence; minus strand). Cytogenetic location: Xq27.1.
Variant type: single nucleotide variant.
Coding change: c.2008A>G on transcript NM_001171876.2 (MANE Select); coding-DNA position 2008, A replaced by G.
Protein change: p.Asn670Asp; replaces asparagine 670 with aspartic acid.
Molecular consequence: missense variant.
Genome position (GRCh38, 1-based): chrX:139,602,462, T>C on the plus strand (A>G on the coding strand, the complement: MCF2 is on the minus strand). VCF-style: chrX-139602462-T-C. GRCh37 (hg19) VCF-style: chrX-138684621-T-C.
Other names: c.1960A>G, p.Asn654Asp (NM_001099855.2); c.1663A>G, p.Asn555Asp (NM_001171877.2); c.1780A>G, p.Asn594Asp (NM_001171878.2, NM_005369.6); c.1828A>G, p.Asn610Asp (NM_001171879.2); short protein forms N594D, N670D, N555D, N610D, N654D.
Identifiers: ClinVar variation 378121 (VCV000378121.4), dbSNP rs149562038, ClinGen allele CA10530127.